The following is an entry in ClinVar:

ClinVar aggregate classification (germline): Uncertain significance (1 of 4 stars; one submission).

gnomAD v4.1: 6 of 1,599,630 alleles (0.00038%); highest among the groups gnomAD compares: East Asian, 0.0045%; no homozygotes.

Submission:

Labcorp Genetics (formerly Invitae), Labcorp
Classification: Uncertain significance. Last evaluated: 2022-02-17. Review status: criteria provided, single submitter. Criteria: Invitae Variant Classification Sherloc (09022015). Collection method: clinical testing. Allele origin: germline.
Comment: In summary, the available evidence is currently insufficient to determine the role of this variant in disease. Therefore, it has been classified as a Variant of Uncertain Significance. Algorithms developed to predict the effect of sequence changes on RNA splicing suggest that this variant is not likely to affect RNA splicing. Algorithms developed to predict the effect of missense changes on protein structure and function are either unavailable or do not agree on the potential impact of this missense change (SIFT: "Tolerated"; PolyPhen-2: "Possibly Damaging"; Align-GVGD: "Class C0"). This variant has not been reported in the literature in individuals affected with KCNJ13-related conditions. This variant is present in population databases (rs147221151, gnomAD 0.03%). This sequence change replaces arginine, which is basic and polar, with serine, which is neutral and polar, at codon 171 of the KCNJ13 protein (p.Arg171Ser).

NM_002242.4(KCNJ13):c.511C>A (p.Arg171Ser)

Genes: GIGYF2 (GRB10 interacting GYF protein 2; plus strand), KCNJ13 (potassium inwardly rectifying channel subfamily J member 13; minus strand). Cytogenetic location: 2q37.1.
Variant type: single nucleotide variant.
Coding change: c.511C>A on transcript NM_002242.4 (MANE Select); coding-DNA position 511, C replaced by A.
Protein change: p.Arg171Ser; replaces arginine 171 with serine.
Molecular consequence: missense variant. On other transcripts: nonsense (1), intron variant (4).
Genome position (GRCh38, 1-based): chr2:232,768,763, G>T on the plus strand (C>A on the coding strand, the complement: KCNJ13 is on the minus strand). VCF-style: chr2-232768763-G-T. GRCh37 (hg19) VCF-style: chr2-233633473-G-T.
Other names: c.275C>A, p.Ser92Ter (NM_001172416.1); c.271C>A, p.Arg91Ser (NM_001172417.1); c.532+7327G>T (NM_001103146.3, NM_015575.4, NM_001103147.2 and 1 more transcripts); short protein forms R171S, R91S, S92*.
Identifiers: ClinVar variation 2414816 (VCV002414816.6), dbSNP rs147221151, ClinGen allele CA2170021.
Genomic context (GRCh38, chr2:232,768,763, plus strand): 5'-CTTGGAAGATAAGATTAGGTTTGCCATCCATGTGAGCTACTACTGCTGTGTCAGTAAAGC[G>T]AATTGAAAAAGCTCGATTTTTTGGCCGGGCAATCTTCGCCACAAAAGCACCTAAATAAGA-3'
Protein context (NP_002233.2, residues 161-181): ARPKNRAFSI[Arg171Ser]FTDTAVVAHM